The following is an entry in ClinVar:

ClinVar aggregate classification (germline): Uncertain significance (1 of 4 stars; one submission).

Conditions:
Fanconi anemia complementation group O. Also called: RAD51C-Related Fanconi Anemia. Identifiers: Orphanet 84, MedGen C3150653, MONDO:0013248, OMIM 613390.

Submission:

Labcorp Genetics (formerly Invitae), Labcorp
Classification: Uncertain significance for Fanconi anemia complementation group O. Last evaluated: 2024-09-09. Review status: criteria provided, single submitter. Criteria: Invitae Variant Classification Sherloc (09022015). Collection method: clinical testing. Allele origin: germline.
Comment: This sequence change replaces threonine, which is neutral and polar, with serine, which is neutral and polar, at codon 352 of the RAD51C protein (p.Thr352Ser). This variant is not present in population databases (gnomAD no frequency). This variant has not been reported in the literature in individuals affected with RAD51C-related conditions. ClinVar contains an entry for this variant (Variation ID: 2088788). An algorithm developed to predict the effect of missense changes on protein structure and function (PolyPhen-2) suggests that this variant is likely to be tolerated. In summary, the available evidence is currently insufficient to determine the role of this variant in disease. Therefore, it has been classified as a Variant of Uncertain Significance.

NM_058216.3(RAD51C):c.1054A>T (p.Thr352Ser)

Gene: RAD51C (RAD51 paralog C; plus strand). Cytogenetic location: 17q22.
Variant type: single nucleotide variant.
Coding change: c.1054A>T on transcript NM_058216.3 (MANE Select); coding-DNA position 1054, A replaced by T.
Protein change: p.Thr352Ser; replaces threonine 352 with serine.
Molecular consequence: missense variant. On other transcripts: non-coding transcript variant (1).
Genome position (GRCh38, 1-based): chr17:58,734,145, A>T. VCF-style: chr17-58734145-A-T. GRCh37 (hg19) VCF-style: chr17-56811506-A-T.
Other names: c.*482A>T (NM_058217.1); short protein forms T352S.
Identifiers: ClinVar variation 2088788 (VCV002088788.4), dbSNP rs2144060893, ClinGen allele CA400366070.